The following is an entry in ClinVar:

NM_015072.5(TTLL5):c.869A>T (p.Tyr290Phe)

Gene: TTLL5 (tubulin tyrosine ligase like 5; plus strand). Cytogenetic location: 14q24.3.
Variant type: single nucleotide variant.
Coding change: c.869A>T on transcript NM_015072.5 (MANE Select); coding-DNA position 869, A replaced by T.
Protein change: p.Tyr290Phe; replaces tyrosine 290 with phenylalanine.
Molecular consequence: missense variant.
Genome position (GRCh38, 1-based): chr14:75,719,761, A>T. VCF-style: chr14-75719761-A-T. GRCh37 (hg19) VCF-style: chr14-76186104-A-T.
Other names: short protein forms Y290F.
Identifiers: ClinVar variation 961567 (VCV000961567.8), dbSNP rs760341785, ClinGen allele CA7279143.

ClinVar aggregate classification (germline): Uncertain significance. Review status: criteria provided, multiple submitters, no conflicts (2 of 4 stars). 2 submissions from 2 submitters: Uncertain significance (2). Last evaluated 2024-11-11.

Allele frequency attached by ClinVar (database versions not stated): gnomAD 0.00001; gnomAD exomes 0.00002 and 0.00004; TOPMed 0.00002; ExAC 0.00003.
gnomAD v4.1: 38 of 1,612,110 alleles (0.0024%); highest among the groups gnomAD compares: Admixed American, 0.01%; no homozygotes.

Submissions (2):

Labcorp Genetics (formerly Invitae), Labcorp
Classification: Uncertain significance. Last evaluated: 2024-11-11. Review status: criteria provided, single submitter. Criteria: Invitae Variant Classification Sherloc (09022015). Collection method: clinical testing. Allele origin: germline.
Comment: This sequence change replaces tyrosine, which is neutral and polar, with phenylalanine, which is neutral and non-polar, at codon 290 of the TTLL5 protein (p.Tyr290Phe). This variant is present in population databases (rs760341785, gnomAD 0.009%). This variant has not been reported in the literature in individuals affected with TTLL5-related conditions. ClinVar contains an entry for this variant (Variation ID: 961567). Invitae Evidence Modeling of protein sequence and biophysical properties (such as structural, functional, and spatial information, amino acid conservation, physicochemical variation, residue mobility, and thermodynamic stability) indicates that this missense variant is not expected to disrupt TTLL5 protein function with a negative predictive value of 80%. In summary, the available evidence is currently insufficient to determine the role of this variant in disease. Therefore, it has been classified as a Variant of Uncertain Significance.

Blueprint Genetics
Classification: Uncertain significance. Last evaluated: 2024-01-30. Review status: criteria provided, single submitter. Criteria: ACMG Guidelines, 2015. Collection method: clinical testing. Allele origin: germline.